The following is an entry in ClinVar:

NM_080473.5(GATA5):c.913+15_913+31del

Gene: GATA5 (GATA binding protein 5; minus strand). Cytogenetic location: 20q13.33.
Variant type: Deletion.
Coding change: c.913+15_913+31del on transcript NM_080473.5 (MANE Select); bases 15 to 31 of the intron after coding-DNA position 913, 17 bases deleted (CCTGCAGTCAGCCCCGC).
Molecular consequence: intron variant.
Genome position (GRCh38, 1-based): chr20:62,465,803-62,465,819, GCGGGGCTGACTGCAGG deleted on the plus strand (CCTGCAGTCAGCCCCGC on the coding strand, the reverse complement: GATA5 is on the minus strand); deleting any 17 consecutive bases within chr20:62,465,803-62,465,821 gives the same sequence; the c. name uses the placement nearest the transcript's 3' end. VCF-style (leftmost placement, unchanged base first): chr20-62465802-AGCGGGGCTGACTGCAGG-A. GRCh37 (hg19) VCF-style: chr20-61040858-AGCGGGGCTGACTGCAGG-A.
Identifiers: ClinVar variation 3623445 (VCV003623445.2).

ClinVar aggregate classification (germline): Uncertain significance (1 of 4 stars; one submission).

Submission:

Labcorp Genetics (formerly Invitae), Labcorp
Classification: Uncertain significance. Last evaluated: 2025-08-04. Review status: criteria provided, single submitter. Criteria: Invitae Variant Classification Sherloc (09022015). Collection method: clinical testing. Allele origin: germline.
Comment: This sequence change falls in intron 5 of the GATA5 gene. It does not directly change the encoded amino acid sequence of the GATA5 protein. This variant is not present in population databases (gnomAD no frequency). This variant has not been reported in the literature in individuals affected with GATA5-related conditions. ClinVar contains an entry for this variant (Variation ID: 3623445). Experimental studies and prediction algorithms are not available or were not evaluated, and the effect of this variant on mRNA splicing is currently unknown. In summary, the available evidence is currently insufficient to determine the role of this variant in disease. Therefore, it has been classified as a Variant of Uncertain Significance.